The following is an entry in ClinVar:

NM_182943.3(PLOD2):c.2246G>T (p.Arg749Ile)

Gene: PLOD2 (procollagen-lysine,2-oxoglutarate 5-dioxygenase 2; minus strand). Cytogenetic location: 3q24.
Variant type: single nucleotide variant.
Coding change: c.2246G>T on transcript NM_182943.3 (MANE Select); coding-DNA position 2246, G replaced by T.
Protein change: p.Arg749Ile; replaces arginine 749 with isoleucine.
Molecular consequence: missense variant.
Genome position (GRCh38, 1-based): chr3:146,070,748, C>A on the plus strand (G>T on the coding strand, the complement: PLOD2 is on the minus strand). VCF-style: chr3-146070748-C-A. GRCh37 (hg19) VCF-style: chr3-145788535-C-A.
Other names: c.2183G>T, p.Arg728Ile (NM_000935.3); short protein forms R749I, R728I.
Identifiers: ClinVar variation 1490639 (VCV001490639.8), dbSNP rs2107990046, ClinGen allele CA354881672.

ClinVar aggregate classification (germline): Uncertain significance (1 of 4 stars; one submission).

Submission:

Labcorp Genetics (formerly Invitae), Labcorp
Classification: Uncertain significance. Last evaluated: 2024-10-22. Review status: criteria provided, single submitter. Criteria: Invitae Variant Classification Sherloc (09022015). Collection method: clinical testing. Allele origin: germline.
Comment: This sequence change replaces arginine, which is basic and polar, with isoleucine, which is neutral and non-polar, at codon 749 of the PLOD2 protein (p.Arg749Ile). This variant is not present in population databases (gnomAD no frequency). This variant has not been reported in the literature in individuals affected with PLOD2-related conditions. ClinVar contains an entry for this variant (Variation ID: 1490639). Invitae Evidence Modeling of protein sequence and biophysical properties (such as structural, functional, and spatial information, amino acid conservation, physicochemical variation, residue mobility, and thermodynamic stability) indicates that this missense variant is expected to disrupt PLOD2 protein function with a positive predictive value of 80%. In summary, the available evidence is currently insufficient to determine the role of this variant in disease. Therefore, it has been classified as a Variant of Uncertain Significance.